The following is an entry in ClinVar:

ClinVar aggregate classification (germline): Likely benign. Review status: criteria provided, multiple submitters, no conflicts (2 of 4 stars). 2 submissions from 2 submitters: Likely benign (2). Last evaluated 2024-04-16.

Conditions:
RASopathy. Also called: rasopathies; Noonan spectrum disorder. Identifiers: Orphanet 536391, MedGen C5555857, MONDO:0021060.

gnomAD v4.1: 1 of 1,613,928 alleles (0.000062%); highest among the groups gnomAD compares: Admixed American, 0.0017%; no homozygotes.

Submissions (2):

Labcorp Genetics (formerly Invitae), Labcorp
Classification: Likely benign for RASopathy. Last evaluated: 2024-04-16. Review status: criteria provided, single submitter. Criteria: Invitae Variant Classification Sherloc (09022015). Collection method: clinical testing. Allele origin: germline.

GeneDx
Classification: Likely benign. Last evaluated: 2017-08-23. Review status: criteria provided, single submitter. Criteria: GeneDx Variant Classification (06012015). Collection method: clinical testing. Allele origin: germline. Affected: yes.
Comment: This variant is considered likely benign or benign based on one or more of the following criteria: it is a conservative change, it occurs at a poorly conserved position in the protein, it is predicted to be benign by multiple in silico algorithms, and/or has population frequency not consistent with disease.

NM_005633.4(SOS1):c.3948C>T (p.His1316=)

Gene: SOS1 (SOS Ras/Rac guanine nucleotide exchange factor 1; minus strand). Cytogenetic location: 2p22.1.
Variant type: single nucleotide variant.
Coding change: c.3948C>T on transcript NM_005633.4 (MANE Select); coding-DNA position 3948, C replaced by T.
Protein change: p.His1316=; no amino-acid change (histidine 1316 retained).
Molecular consequence: synonymous variant.
Genome position (GRCh38, 1-based): chr2:38,985,878, G>A on the plus strand (C>T on the coding strand, the complement: SOS1 is on the minus strand). VCF-style: chr2-38985878-G-A. GRCh37 (hg19) VCF-style: chr2-39213019-G-A.
Other names: c.3927C>T, p.His1309= (NM_001382394.1); c.3903C>T, p.His1301= (NM_001382395.1).
Identifiers: ClinVar variation 511656 (VCV000511656.3), dbSNP rs1399242305, ClinGen allele CA425866217.
Genomic context (GRCh38, chr2:38,985,878, plus strand): 5'-AGGAACTCAGGAAGAATGGGCATTCTCCAACAGTGGTGGTCCATCTCTGTGCATGGATGG[G>A]TGTGTGTGCTCCCTTTTGTAAGTTTTTGGAGGGAGTTTAGGGATATGTTGAGAAGTGCTT-3'
Protein context (NP_005624.2, residues 1306-1326): PPKTYKREHT[His1316=]PSMHRDGPPL